The following is an entry in ClinVar:

ClinVar aggregate classification (germline): Conflicting classifications of pathogenicity. Review status: criteria provided, conflicting classifications (1 of 4 stars). 2 submissions from 2 submitters: Uncertain significance (1); Likely benign (1). Last evaluated 2024-10-15.

Conditions:
Idiopathic generalized epilepsy. Also called: EIG; Generalised epilepsy. Identifiers: MedGen C0270850, MONDO:0005579, OMIM 600669.
Hyperaldosteronism, familial, type IV (HALD4). Also called: FH IV; ALDOSTERONISM, PRIMARY, AND HYPERTENSION. Identifiers: Orphanet 642671, MedGen C4310756, MONDO:0014875, OMIM 617027.

Allele frequency attached by ClinVar (database versions not stated): gnomAD exomes 0.00001; TOPMed 0.00001.
gnomAD v4.1: 3 of 1,597,432 alleles (0.00019%); highest among the groups gnomAD compares: East Asian, 0.0022%; no homozygotes.

Submissions (2):

Labcorp Genetics (formerly Invitae), Labcorp
Classification: Uncertain significance for Idiopathic generalized epilepsy; Hyperaldosteronism, familial, type IV. Last evaluated: 2024-10-15. Review status: criteria provided, single submitter. Criteria: Invitae Variant Classification Sherloc (09022015). Collection method: clinical testing. Allele origin: germline.
Comment: This sequence change replaces serine, which is neutral and polar, with proline, which is neutral and non-polar, at codon 1246 of the CACNA1H protein (p.Ser1246Pro). This variant is not present in population databases (gnomAD no frequency). This variant has not been reported in the literature in individuals affected with CACNA1H-related conditions. ClinVar contains an entry for this variant (Variation ID: 1175879). Invitae Evidence Modeling of protein sequence and biophysical properties (such as structural, functional, and spatial information, amino acid conservation, physicochemical variation, residue mobility, and thermodynamic stability) indicates that this missense variant is not expected to disrupt CACNA1H protein function with a negative predictive value of 80%. In summary, the available evidence is currently insufficient to determine the role of this variant in disease. Therefore, it has been classified as a Variant of Uncertain Significance.

CeGaT Center for Human Genetics Tuebingen
Classification: Likely benign. Last evaluated: 2021-02-01. Review status: criteria provided, single submitter. Criteria: CeGaT Center For Human Genetics Tuebingen Variant Classification Criteria Version 2. Collection method: clinical testing. Allele origin: germline. Affected: yes. Observed: 1 variant allele.

NM_021098.3(CACNA1H):c.3736T>C (p.Ser1246Pro)

Gene: CACNA1H (calcium voltage-gated channel subunit alpha1 H; plus strand). Cytogenetic location: 16p13.3.
Variant type: single nucleotide variant.
Coding change: c.3736T>C on transcript NM_021098.3 (MANE Select); coding-DNA position 3736, T replaced by C.
Protein change: p.Ser1246Pro; replaces serine 1246 with proline.
Molecular consequence: missense variant.
Genome position (GRCh38, 1-based): chr16:1,209,404, T>C. VCF-style: chr16-1209404-T-C. GRCh37 (hg19) VCF-style: chr16-1259404-T-C.
Other names: c.3736T>C, p.Ser1246Pro (NM_001005407.2); short protein forms S1246P.
Identifiers: ClinVar variation 1175879 (VCV001175879.40), dbSNP rs1969157452, ClinGen allele CA394174576.